The following is an entry in ClinVar:

ClinVar aggregate classification (germline): Uncertain significance. Review status: criteria provided, multiple submitters, no conflicts (2 of 4 stars). 4 submissions from 4 submitters: Uncertain significance (4). Last evaluated 2025-10-07.

Conditions:
Hereditary cancer-predisposing syndrome. Also called: Neoplastic Syndromes, Hereditary; Hereditary Cancer Syndrome; Hereditary neoplastic syndrome; Tumor predisposition. Identifiers: Orphanet 140162, MedGen C0027672, MeSH D009386, MONDO:0015356.

Allele frequency attached by ClinVar (database versions not stated): TOPMed 0.00001.
gnomAD v4.1: 6 of 1,613,776 alleles (0.00037%); highest among the groups gnomAD compares: East Asian, 0.0045%; no homozygotes.

Submissions (4):

Labcorp Genetics (formerly Invitae), Labcorp
Classification: Uncertain significance. Last evaluated: 2025-10-07. Review status: criteria provided, single submitter. Criteria: Invitae Variant Classification Sherloc (09022015). Collection method: clinical testing. Allele origin: germline.
Comment: This sequence change replaces arginine, which is basic and polar, with histidine, which is basic and polar, at codon 793 of the POLE protein (p.Arg793His). This variant is present in population databases (no rsID available, gnomAD 0.003%). This missense change has been observed in individual(s) with esophageal cancer (PMID: 30833958). ClinVar contains an entry for this variant (Variation ID: 540751). Invitae Evidence Modeling of protein sequence and biophysical properties (such as structural, functional, and spatial information, amino acid conservation, physicochemical variation, residue mobility, and thermodynamic stability) indicates that this missense variant is not expected to disrupt POLE protein function with a negative predictive value of 80%. In summary, the available evidence is currently insufficient to determine the role of this variant in disease. Therefore, it has been classified as a Variant of Uncertain Significance.

Ambry Genetics
Classification: Uncertain significance for Hereditary cancer-predisposing syndrome. Last evaluated: 2025-02-19. Review status: criteria provided, single submitter. Criteria: Ambry Variant Classification Scheme 2023. Collection method: clinical testing. Allele origin: germline.
Comment: The p.R793H variant (also known as c.2378G>A), located in coding exon 21 of the POLE gene, results from a G to A substitution at nucleotide position 2378. The arginine at codon 793 is replaced by histidine, an amino acid with highly similar properties. This amino acid position is highly conserved in available vertebrate species. In addition, the in silico prediction for this alteration is inconclusive. Based on the available evidence, the clinical significance of this variant remains unclear.

GeneDx
Classification: Uncertain significance. Last evaluated: 2023-01-26. Review status: criteria provided, single submitter. Criteria: GeneDx Variant Classification Process June 2021. Collection method: clinical testing. Allele origin: germline. Affected: yes.
Comment: Not observed at significant frequency in large population cohorts (gnomAD); In silico analysis supports that this missense variant does not alter protein structure/function; Reported as a germline variant in a patient with esophageal cancer (Deng et al., 2019); This variant is associated with the following publications: (PMID: 20951805, 30833958)

Breakthrough Genomics
Classification: Uncertain significance. Review status: criteria provided, single submitter. Criteria: ACMG Guidelines, 2015. Collection method: not provided. Allele origin: germline. Inheritance: Autosomal recessive inheritance. Affected: yes.

Literature cited by the submitters: PubMed 30833958 (cited by Labcorp Genetics (formerly Invitae), Labcorp).

NM_006231.4(POLE):c.2378G>A (p.Arg793His)

Gene: POLE (DNA polymerase epsilon, catalytic subunit; minus strand). Cytogenetic location: 12q24.33.
Variant type: single nucleotide variant.
Coding change: c.2378G>A on transcript NM_006231.4 (MANE Select); coding-DNA position 2378, G replaced by A.
Protein change: p.Arg793His; replaces arginine 793 with histidine.
Molecular consequence: missense variant.
Genome position (GRCh38, 1-based): chr12:132,665,392, C>T on the plus strand (G>A on the coding strand, the complement: POLE is on the minus strand). VCF-style: chr12-132665392-C-T. GRCh37 (hg19) VCF-style: chr12-133241978-C-T.
Other names: c.2378G>A (NM_006231.2); short protein forms R793H.
Identifiers: ClinVar variation 540751 (VCV000540751.10), dbSNP rs1422986795, ClinGen allele CA387397525.